The following is an entry in ClinVar:

ClinVar aggregate classification (germline): Conflicting classifications of pathogenicity. Review status: criteria provided, conflicting classifications (1 of 4 stars). 2 submissions from 2 submitters: Uncertain significance (1); Benign (1). Last evaluated 2025-11-11.

Conditions:
Fleck corneal dystrophy (CFD). Also called: CORNEAL DYSTROPHY, FRANCOIS-NEETENS SPECKLED OR FLECKED. Identifiers: Orphanet 98970, MedGen C1562113, MONDO:0007376, OMIM 121850.

Allele frequency attached by ClinVar (database versions not stated): TOPMed 0.00019; gnomAD 0.00020 and 0.00021; gnomAD exomes 0.00025; ExAC 0.00028; ESP Exome Variant Server 0.00038.
gnomAD v4.1: 624 of 1,613,854 alleles (0.039%); highest among the groups gnomAD compares: Non-Finnish European, 0.05%; no homozygotes.

Submissions (2):

Labcorp Genetics (formerly Invitae), Labcorp
Classification: Uncertain significance. Last evaluated: 2025-11-11. Review status: criteria provided, single submitter. Criteria: Invitae Variant Classification Sherloc (09022015). Collection method: clinical testing. Allele origin: germline.
Comment: This sequence change replaces threonine, which is neutral and polar, with serine, which is neutral and polar, at codon 1479 of the PIKFYVE protein (p.Thr1479Ser). This variant is present in population databases (rs144573813, gnomAD 0.04%), and has an allele count higher than expected for a pathogenic variant. This variant has not been reported in the literature in individuals affected with PIKFYVE-related conditions. ClinVar contains an entry for this variant (Variation ID: 333920). An algorithm developed to predict the effect of missense changes on protein structure and function (PolyPhen-2) suggests that this variant is likely to be tolerated. In summary, the available evidence is currently insufficient to determine the role of this variant in disease. Therefore, it has been classified as a Variant of Uncertain Significance.

Illumina Laboratory Services, Illumina
Classification: Benign for Fleck corneal dystrophy. Last evaluated: 2018-01-12. Review status: criteria provided, single submitter. Criteria: ICSL Variant Classification Criteria 13 December 2019. Collection method: clinical testing. Allele origin: germline.
Comment: This variant was observed in the ICSL laboratory as part of a predisposition screen in an ostensibly healthy population. It had not been previously curated by ICSL or reported in the Human Gene Mutation Database (HGMD: prior to June 1st, 2018), and was therefore a candidate for classification through an automated scoring system. Utilizing variant allele frequency, disease prevalence and penetrance estimates, and inheritance mode, an automated score was calculated to assess if this variant is too frequent to cause the disease. Based on the score and internal cut-off values, a variant classified as benign is not then subjected to further curation. The score for this variant resulted in a classification of benign for this disease.

NM_015040.4(PIKFYVE):c.4436C>G (p.Thr1479Ser)

Gene: PIKFYVE (phosphoinositide kinase, FYVE-type zinc finger containing; plus strand). Cytogenetic location: 2q34.
Variant type: single nucleotide variant.
Coding change: c.4436C>G on transcript NM_015040.4 (MANE Select); coding-DNA position 4436, C replaced by G.
Protein change: p.Thr1479Ser; replaces threonine 1479 with serine.
Molecular consequence: missense variant.
Genome position (GRCh38, 1-based): chr2:208,336,116, C>G. VCF-style: chr2-208336116-C-G. GRCh37 (hg19) VCF-style: chr2-209200840-C-G.
Other names: short protein forms T1479S.
Identifiers: ClinVar variation 333920 (VCV000333920.6), dbSNP rs144573813, ClinGen allele CA2080319.